The following is an entry in ClinVar:

NM_016239.4(MYO15A):c.6668C>T (p.Ala2223Val)

Gene: MYO15A (myosin XVA; plus strand). Cytogenetic location: 17p11.2.
Variant type: single nucleotide variant.
Coding change: c.6668C>T on transcript NM_016239.4 (MANE Select); coding-DNA position 6668, C replaced by T.
Protein change: p.Ala2223Val; replaces alanine 2223 with valine.
Molecular consequence: missense variant.
Genome position (GRCh38, 1-based): chr17:18,148,187, C>T. VCF-style: chr17-18148187-C-T. GRCh37 (hg19) VCF-style: chr17-18051501-C-T.
Other names: c.6668C>T (NM_016239.3); short protein forms A2223V.
Identifiers: ClinVar variation 1914590 (VCV001914590.3), dbSNP rs532392396, ClinGen allele CA8424648.

ClinVar aggregate classification (germline): Uncertain significance. Review status: criteria provided, multiple submitters, no conflicts (2 of 4 stars). 2 submissions from 2 submitters: Uncertain significance (2). Last evaluated 2025-07-31.

Conditions:
Inborn genetic diseases. Identifiers: MedGen C0950123, MeSH D030342.

Allele frequency attached by ClinVar (database versions not stated): ExAC 0.00003; gnomAD exomes 0.00005.
gnomAD v4.1: 76 of 1,613,618 alleles (0.0047%); highest among the groups gnomAD compares: African/African-American, 0.012%; no homozygotes.

Submissions (2):

Ambry Genetics
Classification: Uncertain significance for Inborn genetic diseases. Last evaluated: 2025-07-31. Review status: criteria provided, single submitter. Criteria: Ambry Variant Classification Scheme 2023. Collection method: clinical testing. Allele origin: germline.

Labcorp Genetics (formerly Invitae), Labcorp
Classification: Uncertain significance. Last evaluated: 2022-04-06. Review status: criteria provided, single submitter. Criteria: Invitae Variant Classification Sherloc (09022015). Collection method: clinical testing. Allele origin: germline.
Comment: This sequence change replaces alanine, which is neutral and non-polar, with valine, which is neutral and non-polar, at codon 2223 of the MYO15A protein (p.Ala2223Val). This variant is present in population databases (rs532392396, gnomAD 0.007%). This variant has not been reported in the literature in individuals affected with MYO15A-related conditions. Advanced modeling of protein sequence and biophysical properties (such as structural, functional, and spatial information, amino acid conservation, physicochemical variation, residue mobility, and thermodynamic stability) performed at Invitae indicates that this missense variant is not expected to disrupt MYO15A protein function. In summary, the available evidence is currently insufficient to determine the role of this variant in disease. Therefore, it has been classified as a Variant of Uncertain Significance.